The following is an entry in ClinVar:

NM_017849.4(TMEM127):c.489G>A (p.Lys163=)

Gene: TMEM127 (transmembrane protein 127; minus strand). Cytogenetic location: 2q11.2.
Variant type: single nucleotide variant.
Coding change: c.489G>A on transcript NM_017849.4 (MANE Select); coding-DNA position 489, G replaced by A.
Protein change: p.Lys163=; no amino-acid change (lysine 163 retained).
Molecular consequence: synonymous variant.
Genome position (GRCh38, 1-based): chr2:96,254,036, C>T on the plus strand (G>A on the coding strand, the complement: TMEM127 is on the minus strand). VCF-style: chr2-96254036-C-T. GRCh37 (hg19) VCF-style: chr2-96919774-C-T.
Other names: c.489G>A, p.Lys163= (NM_001193304.3).
Identifiers: ClinVar variation 825267 (VCV000825267.14), dbSNP rs757792507, ClinGen allele CA1777294.
Genomic context (GRCh38, chr2:96,254,036, plus strand): 5'-AGCTCCTGCCACCAGGTAGAAGCTAACGGCGAAGGTGACATAGACCTGGGATCCATGGTA[C>T]TTCTTATGCTGCTGCTGCTGGGCCAAGATGAGTTCAGAAGCCCAATAAGAAAAGCCAATG-3'
Protein context (NP_060319.1, residues 153-173): LILAQQQQHK[Lys163=]YHGSQVYVTF

ClinVar aggregate classification (germline): Benign/Likely benign. Review status: criteria provided, multiple submitters, no conflicts (2 of 4 stars). 3 submissions from 3 submitters: Benign (1); Likely benign (2). Last evaluated 2026-07-30.

Conditions:
Hereditary cancer-predisposing syndrome. Also called: Hereditary neoplastic syndrome; Neoplastic Syndromes, Hereditary; Tumor predisposition; Hereditary Cancer Syndrome. Identifiers: Orphanet 140162, MedGen C0027672, MeSH D009386, MONDO:0015356.
Hereditary pheochromocytoma and paraganglioma. Also called: Hereditary pheochromocytoma-paraganglioma; Hereditary paragangliomas and pheochromocytomas; Hereditary Paraganglioma-Pheochromocytoma Syndromes. Identifiers: Orphanet 29072, MedGen C4274332, MONDO:0017366.

Allele frequency attached by ClinVar (database versions not stated): ExAC 0.00002; gnomAD 0.00002; gnomAD exomes 0.00002 and 0.00001; TOPMed 0.00003.
gnomAD v4.1: 7 of 1,614,064 alleles (0.00043%); highest among the groups gnomAD compares: African/African-American, 0.008%; no homozygotes.

Submissions (3):

Myriad Genetics, Inc.
Classification: Benign for Hereditary pheochromocytoma and paraganglioma. Last evaluated: 2026-07-30. Review status: criteria provided, single submitter. Criteria: Myriad Autosomal Dominant, Autosomal Recessive and X-Linked Classification Criteria (2023). Collection method: clinical testing. Allele origin: unknown.
Comment: This variant is considered benign. This variant is a silent/synonymous amino acid change and it is not expected to impact splicing.

Labcorp Genetics (formerly Invitae), Labcorp
Classification: Likely benign for Hereditary pheochromocytoma and paraganglioma. Last evaluated: 2025-02-10. Review status: criteria provided, single submitter. Criteria: Invitae Variant Classification Sherloc (09022015). Collection method: clinical testing. Allele origin: germline.

Ambry Genetics
Classification: Likely benign for Hereditary cancer-predisposing syndrome. Last evaluated: 2019-01-14. Review status: criteria provided, single submitter. Criteria: Ambry Variant Classification Scheme 2023. Collection method: clinical testing. Allele origin: germline.